The following is an entry in ClinVar:

ClinVar aggregate classification (germline): Pathogenic (1 of 4 stars; one submission).

Conditions:
X-linked lymphoproliferative disease due to XIAP deficiency. Also called: XIAP DEFICIENCY; XIAP-Related Lymphoproliferative Disease, X-Linked. Identifiers: Orphanet 2442, Orphanet 538934, MedGen C1845076, MONDO:0010385, OMIM 300635.

Submission:

Labcorp Genetics (formerly Invitae), Labcorp
Classification: Pathogenic for X-linked lymphoproliferative disease due to XIAP deficiency. Last evaluated: 2021-10-20. Review status: criteria provided, single submitter. Criteria: Invitae Variant Classification Sherloc (09022015). Collection method: clinical testing. Allele origin: germline.
Comment: This premature translational stop signal has been observed in individual(s) with hemophagocytic lymphohistiocytosis (PMID: 29665027). This variant is not present in population databases (ExAC no frequency). This sequence change creates a premature translational stop signal (p.Thr308Ilefs*23) in the XIAP gene. It is expected to result in an absent or disrupted protein product. Loss-of-function variants in XIAP are known to be pathogenic (PMID: 17080092, 21119115, 25666262). For these reasons, this variant has been classified as Pathogenic.

Literature cited by the submitters: PubMed 29665027; PubMed 17080092; PubMed 21119115; PubMed 25666262.

NM_001167.4(XIAP):c.921_924del (p.Thr308fs)

Gene: XIAP (X-linked inhibitor of apoptosis; plus strand). Cytogenetic location: Xq25.
Variant type: Deletion.
Coding change: c.921_924del on transcript NM_001167.4 (MANE Select); coding-DNA positions 921 to 924, 4 bases deleted (AACT; older notation c.921_924delAACT).
Protein change: p.Thr308fs; shifts the reading frame from threonine 308.
Molecular consequence: frameshift variant. On other transcripts: non-coding transcript variant (2).
Genome position (GRCh38, 1-based): chrX:123,888,662-123,888,665, AACT deleted; deleting any 4 consecutive bases within chrX:123,888,660-123,888,665 gives the same sequence; the c. name uses the placement nearest the transcript's 3' end. VCF-style (leftmost placement, unchanged base first): chrX-123888659-GCTAA-G. GRCh37 (hg19) VCF-style: chrX-123022509-GCTAA-G.
Other names: c.921_924del, p.Thr308fs (NM_001204401.2, NM_001378590.1, NM_001378591.1 and 1 more transcripts); short protein forms T308fs.
Identifiers: ClinVar variation 1452964 (VCV001452964.6), dbSNP rs2148092792, ClinGen allele CA2573159220.
Genomic context (GRCh38, chrX:123,888,659, plus strand): 5'-ATTCCTGTGTGTTTTCGTAGGTGAAGGTGATAAAGTAAAGTGCTTTCACTGTGGAGGAGG[GCTAA>G]CTGATTGGAAGCCCAGTGAAGACCCTTGGGAACAACATGCTAAATGGTATCCAGGGTAAG-3'